The following is an entry in ClinVar:

NM_004519.4(KCNQ3):c.2239G>A (p.Val747Ile)

Gene: KCNQ3 (potassium voltage-gated channel subfamily Q member 3; minus strand). Cytogenetic location: 8q24.22.
Variant type: single nucleotide variant.
Coding change: c.2239G>A on transcript NM_004519.4 (MANE Select); coding-DNA position 2239, G replaced by A.
Protein change: p.Val747Ile; replaces valine 747 with isoleucine.
Molecular consequence: missense variant.
Genome position (GRCh38, 1-based): chr8:132,129,642, C>T on the plus strand (G>A on the coding strand, the complement: KCNQ3 is on the minus strand). VCF-style: chr8-132129642-C-T. GRCh37 (hg19) VCF-style: chr8-133141889-C-T.
Other names: c.1879G>A, p.Val627Ile (NM_001204824.2); short protein forms V627I, V747I.
Identifiers: ClinVar variation 3676239 (VCV003676239.2).

ClinVar aggregate classification (germline): Uncertain significance (1 of 4 stars; one submission).

Conditions:
Benign neonatal seizures. Also called: Convulsions benign familial neonatal dominant form; Autosomal dominant form of benign neonatal seizures; Benign familial neonatal epilepsy; Benign neonatal familial convulsions; Benign familial neonatal seizures. Identifiers: Orphanet 1949, MedGen C0220669, MONDO:0016027.

Submission:

Labcorp Genetics (formerly Invitae), Labcorp
Classification: Uncertain significance for Benign neonatal seizures. Last evaluated: 2024-05-28. Review status: criteria provided, single submitter. Criteria: Invitae Variant Classification Sherloc (09022015). Collection method: clinical testing. Allele origin: germline.
Comment: This sequence change replaces valine, which is neutral and non-polar, with isoleucine, which is neutral and non-polar, at codon 747 of the KCNQ3 protein (p.Val747Ile). This variant is not present in population databases (gnomAD no frequency). This variant has not been reported in the literature in individuals affected with KCNQ3-related conditions. Advanced modeling of protein sequence and biophysical properties (such as structural, functional, and spatial information, amino acid conservation, physicochemical variation, residue mobility, and thermodynamic stability) performed at Invitae indicates that this missense variant is not expected to disrupt KCNQ3 protein function with a negative predictive value of 95%. In summary, the available evidence is currently insufficient to determine the role of this variant in disease. Therefore, it has been classified as a Variant of Uncertain Significance.